The following is an entry in ClinVar:

NM_001394062.1(MACF1):c.528+11394G>A

Gene: MACF1 (microtubule actin crosslinking factor 1; plus strand). Cytogenetic location: 1p34.3.
Variant type: single nucleotide variant.
Coding change: c.528+11394G>A on transcript NM_001394062.1 (MANE Select); 11394 bases into the intron after coding-DNA position 528, G replaced by A.
Molecular consequence: intron variant.
Genome position (GRCh38, 1-based): chr1:39,269,422, G>A. VCF-style: chr1-39269422-G-A. GRCh37 (hg19) VCF-style: chr1-39735094-G-A.
Other names: c.543+11394G>A (NM_012090.5).
Identifiers: ClinVar variation 2638689 (VCV002638689.24), dbSNP rs41270797, ClinGen allele CA779222.

ClinVar aggregate classification (germline): Benign (1 of 4 stars; one submission).

Allele frequency attached by ClinVar (database versions not stated): ExAC 0.00175; gnomAD 0.00267; TOPMed 0.00302; gnomAD exomes 0.00323; 1000 Genomes Project 30x 0.00437; 1000 Genomes Project 0.00459.
gnomAD v4.1: 4,063 of 1,289,850 alleles (0.31%); highest among the groups gnomAD compares: East Asian, 1%; 12 homozygotes.

Submission:

CeGaT Center for Human Genetics Tuebingen
Classification: Benign. Last evaluated: 2023-04-01. Review status: criteria provided, single submitter. Criteria: CeGaT Center For Human Genetics Tuebingen Variant Classification Criteria Version 2. Collection method: clinical testing. Allele origin: germline. Affected: yes. Observed: 4 variant alleles.
Comment: MACF1: BS1, BS2